The following is an entry in ClinVar:

NM_000526.5(KRT14):c.58ATCGGGGGCGGC[1] (p.20IGGG[1])

Gene: KRT14 (keratin 14; minus strand). Cytogenetic location: 17q21.2.
Variant type: Microsatellite.
Coding change: c.58ATCGGGGGCGGC[1] on transcript NM_000526.5 (MANE Select); one copy of the 12-base unit ATCGGGGGCGGC starting at c.58; the reference has two copies in a row; one copy, 12 bases deleted; also written c.70_81del.
Protein change: p.20IGGG[1].
Molecular consequence: inframe deletion.
Genome position (GRCh38, 1-based): chr17:41,586,754-41,586,765, GCCGCCCCCGAT deleted on the plus strand (ATCGGGGGCGGC on the coding strand, the reverse complement: KRT14 is on the minus strand); deleting any 12 consecutive bases within chr17:41,586,754-41,586,782 gives the same sequence; the position shown is the placement nearest the transcript's 3' end. VCF-style (leftmost placement, unchanged base first): chr17-41586753-AGCCGCCCCCGAT-A. GRCh37 (hg19) VCF-style: chr17-39743005-AGCCGCCCCCGAT-A.
Other names: c.70_81del (NM_000526.4); c.70_81del12 (NM_000526.4).
Identifiers: ClinVar variation 669378 (VCV000669378.10), dbSNP rs542422851, ClinGen allele CA8562825.

ClinVar aggregate classification (germline): Likely benign. Review status: criteria provided, multiple submitters, no conflicts (2 of 4 stars). 3 submissions from 3 submitters: Likely benign (3). Last evaluated 2025-04-17.

Conditions:
KRT14-related disorder. Also called: KRT14-related condition.

Submissions (3):

Labcorp Genetics (formerly Invitae), Labcorp
Classification: Likely benign. Last evaluated: 2025-04-17. Review status: criteria provided, single submitter. Criteria: Invitae Variant Classification Sherloc (09022015). Collection method: clinical testing. Allele origin: germline.

PreventionGenetics, part of Exact Sciences
Classification: Likely benign for KRT14-related condition. Last evaluated: 2024-11-13. Review status: criteria provided, single submitter. Criteria: ACMG Guidelines, 2015. Collection method: clinical testing. Allele origin: germline.
Comment: This variant is classified as likely benign based on ACMG/AMP sequence variant interpretation guidelines (Richards et al. 2015 PMID: 25741868, with internal and published modifications).

GeneDx
Classification: Likely benign. Last evaluated: 2018-05-30. Review status: criteria provided, single submitter. Criteria: GeneDx Variant Classification (06012015). Collection method: clinical testing. Allele origin: germline. Affected: yes.
Comment: This variant is considered likely benign or benign based on one or more of the following criteria: it is a conservative change, it occurs at a poorly conserved position in the protein, it is predicted to be benign by multiple in silico algorithms, and/or has population frequency not consistent with disease.